The following is an entry in ClinVar:

NM_031935.3(HMCN1):c.9720A>T (p.Ser3240=)

Gene: HMCN1 (hemicentin 1; plus strand). Cytogenetic location: 1q31.1.
Variant type: single nucleotide variant.
Coding change: c.9720A>T on transcript NM_031935.3 (MANE Select); coding-DNA position 9720, A replaced by T.
Protein change: p.Ser3240=; no amino-acid change (serine 3240 retained).
Molecular consequence: synonymous variant.
Genome position (GRCh38, 1-based): chr1:186,088,748, A>T. VCF-style: chr1-186088748-A-T. GRCh37 (hg19) VCF-style: chr1-186057880-A-T.
Identifiers: ClinVar variation 2639647 (VCV002639647.26), dbSNP rs745784876, ClinGen allele CA1293518.
Genomic context (GRCh38, chr1:186,088,748, plus strand): 5'-AAACTATACATGTATTGCTTCAAATATGGAGGGAAAAGCCCAGAAATATTACTTTCTTTC[A>T]ATTCAAGGTATGTATTGTCCACTATGATCTATCTTCAATTTCTTTGTTATTCCATTTATA-3'
Protein context (NP_114141.2, residues 3230-3250): EGKAQKYYFL[Ser3240=]IQVPPSVAGA

ClinVar aggregate classification (germline): Benign/Likely benign. Review status: criteria provided, multiple submitters, no conflicts (2 of 4 stars). 2 submissions from 2 submitters: Benign (1); Likely benign (1). Last evaluated 2024-04-09.

Allele frequency attached by ClinVar (database versions not stated): TOPMed 0.00005; gnomAD exomes 0.00015; gnomAD 0.00020; ExAC 0.00033.
gnomAD v4.1: 248 of 1,606,936 alleles (0.015%); highest among the groups gnomAD compares: Non-Finnish European, 0.0056%; no homozygotes.

Submissions (2):

Labcorp Genetics (formerly Invitae), Labcorp
Classification: Benign. Last evaluated: 2024-04-09. Review status: criteria provided, single submitter. Criteria: Invitae Variant Classification Sherloc (09022015). Collection method: clinical testing. Allele origin: germline.

CeGaT Center for Human Genetics Tuebingen
Classification: Likely benign. Last evaluated: 2022-03-01. Review status: criteria provided, single submitter. Criteria: CeGaT Center For Human Genetics Tuebingen Variant Classification Criteria Version 2. Collection method: clinical testing. Allele origin: germline. Affected: yes. Observed: 1 variant allele.
Comment: HMCN1: BP4, BP7